The following is an entry in ClinVar:

NM_000553.6(WRN):c.1099G>A (p.Val367Met)

Gene: WRN (WRN RecQ like helicase; plus strand). Cytogenetic location: 8p12.
Variant type: single nucleotide variant.
Coding change: c.1099G>A on transcript NM_000553.6 (MANE Select); coding-DNA position 1099, G replaced by A.
Protein change: p.Val367Met; replaces valine 367 with methionine.
Molecular consequence: missense variant.
Genome position (GRCh38, 1-based): chr8:31,081,126, G>A. VCF-style: chr8-31081126-G-A. GRCh37 (hg19) VCF-style: chr8-30938642-G-A.
Other names: short protein forms V367M.
Identifiers: ClinVar variation 2858497 (VCV002858497.3), dbSNP rs2130119792, ClinGen allele CA370920709.

ClinVar aggregate classification (germline): Uncertain significance (1 of 4 stars; one submission).

Conditions:
Werner syndrome (WRN). Identifiers: Orphanet 902, MedGen C0043119, MONDO:0010196, OMIM 277700.

Submission:

Labcorp Genetics (formerly Invitae), Labcorp
Classification: Uncertain significance for Werner syndrome. Last evaluated: 2023-04-23. Review status: criteria provided, single submitter. Criteria: Invitae Variant Classification Sherloc (09022015). Collection method: clinical testing. Allele origin: germline.
Comment: In summary, the available evidence is currently insufficient to determine the role of this variant in disease. Therefore, it has been classified as a Variant of Uncertain Significance. Algorithms developed to predict the effect of missense changes on protein structure and function output the following: SIFT: "Not Available"; PolyPhen-2: "Benign"; Align-GVGD: "Not Available". The methionine amino acid residue is found in multiple mammalian species, which suggests that this missense change does not adversely affect protein function. This variant has not been reported in the literature in individuals affected with WRN-related conditions. This variant is not present in population databases (gnomAD no frequency). This sequence change replaces valine, which is neutral and non-polar, with methionine, which is neutral and non-polar, at codon 367 of the WRN protein (p.Val367Met).